The following is an entry in ClinVar:

ClinVar aggregate classification (germline): Uncertain significance (1 of 4 stars; one submission).

Submission:

GeneDx
Classification: Uncertain significance. Last evaluated: 2025-05-02. Review status: criteria provided, single submitter. Criteria: GeneDx Variant Classification Process June 2021. Collection method: clinical testing. Allele origin: germline. Affected: yes.
Comment: Not observed at significant frequency in large population cohorts (gnomAD); Frameshift variant predicted to result in protein truncation or nonsense mediated decay in a gene or region of a gene for which loss of function is not a well-established mechanism of disease; Has not been previously published as pathogenic or benign to our knowledge

NM_052876.4(NACC1):c.1215dup (p.Phe406fs)

Gene: NACC1 (nucleus accumbens associated 1; plus strand). Cytogenetic location: 19p13.13.
Variant type: Duplication.
Coding change: c.1215dup on transcript NM_052876.4 (MANE Select); coding-DNA position 1215, one base duplicated (C; older notation c.1215dupC).
Protein change: p.Phe406fs; shifts the reading frame from phenylalanine 406.
Molecular consequence: frameshift variant.
Genome position (GRCh38, 1-based): chr19:13,137,365, C duplicated; the last of 2 consecutive C bases (chr19:13,137,364-13,137,365); duplicating either gives the same sequence. VCF-style (leftmost placement, unchanged base first): chr19-13137363-T-TC. GRCh37 (hg19) VCF-style: chr19-13248177-T-TC.
Other names: short protein forms F406fs.
Identifiers: ClinVar variation 4527805 (VCV004527805.1).